The following continues an entry in ClinVar:

NM_002491.3(NDUFB3):c.64T>C (p.Trp22Arg)

Gene: NDUFB3. ClinVar aggregate classification (germline): Pathogenic/Likely pathogenic. Pathogenic (12); Likely pathogenic (8).

Submissions 12 to 21 of 21:

Women's Health and Genetics/Laboratory Corporation of America, LabCorp
Classification: Pathogenic for Mitochondrial complex I deficiency, nuclear type 25. Last evaluated: 2022-05-18. Review status: criteria provided, single submitter. Criteria: LabCorp Variant Classification Summary - May 2015. Collection method: clinical testing. Allele origin: germline.
Comment: Variant summary: NDUFB3 c.64T>C (p.Trp22Arg) results in a non-conservative amino acid change in the encoded protein sequence. Five of five in-silico tools predict a damaging effect of the variant on protein function. The variant allele was found at a frequency of 0.00085 in 250986 control chromosomes. c.64T>C has been reported in the literature in individuals affected with Mitochondrial Complex 1 Deficiency, Nuclear Type 25 or related disorders. These data indicate that the variant is likely to be associated with disease. At least one publication reports experimental evidence evaluating an impact on protein function and showed that protein with this variant could not rescue NDUFB3 deficiency. Nine clinical diagnostic laboratories have submitted clinical-significance assessments for this variant to ClinVar after 2014 without evidence for independent evaluation. All laboratories classified the variant as pathogenic/likely pathogenic. Based on the evidence outlined above, the variant was classified as pathogenic.

Fulgent Genetics
Classification: Likely pathogenic for Mitochondrial complex I deficiency, nuclear type 25. Last evaluated: 2021-12-21. Review status: criteria provided, single submitter. Criteria: ACMG Guidelines, 2015. Collection method: clinical testing. Allele origin: unknown.

Athena Diagnostics
Classification: Pathogenic. Last evaluated: 2021-06-25. Review status: criteria provided, single submitter. Criteria: Athena Diagnostics Criteria. Collection method: clinical testing. Allele origin: unknown.
Comment: This variant segregates with disease and has been identified in multiple affected individuals with clinical features associated with this gene (PMID: 22277967, 22499348, 27091925). Assessment of experimental evidence suggests this variant results in abnormal protein function (PMID: 22277967, 22499348, 27091925). The frequency of this variant in the general population is consistent with pathogenicity.This observation is not an independent occurrence and has been identified in the same individual by RCIGM, the other laboratory participating in the GEMINI study.

Baylor Genetics
Classification: Pathogenic for Mitochondrial complex I deficiency, nuclear type 25. Last evaluated: 2020-08-20. Review status: criteria provided, single submitter. Criteria: ACMG Guidelines, 2015. Collection method: clinical testing. Allele origin: unknown. Affected: yes.
Comment: This variant was determined to be pathogenic according to ACMG Guidelines, 2015 [PMID:25741868].

Greenwood Genetic Center Diagnostic Laboratories, Greenwood Genetic Center
Classification: Likely pathogenic. Last evaluated: 2020-08-11. Review status: criteria provided, single submitter. Criteria: ACMG Guidelines, 2015. Collection method: clinical testing. Allele origin: germline. Affected: yes.

GeneDx
Classification: Pathogenic. Last evaluated: 2020-06-16. Review status: criteria provided, single submitter. Criteria: GeneDx Variant Classification Process June 2021. Collection method: clinical testing. Allele origin: germline. Affected: yes.
Comment: Expression of W22R into patient fibroblasts failed to rescue mitochondrial complex I deficiency, while expression of wild-type NDUFB3 rescued complex I activity (Haack et al., 2012); This variant is associated with the following publications: (PMID: 22277967, 22499348, 27091925, 26795593, 31000363, 31589614)

Genetic Services Laboratory, University of Chicago
Classification: Likely pathogenic for Mitochondrial complex I deficiency. Last evaluated: 2015-12-17. Review status: criteria provided, single submitter. Criteria: ACMG Guidelines, 2015. Collection method: clinical testing. Allele origin: germline. Affected: yes.

Genomic Diagnostic Laboratory, Division of Genomic Diagnostics, Children's Hospital of Philadelphia
Classification: Likely pathogenic. Last evaluated: 2015-08-19. Review status: criteria provided, single submitter. Criteria: DGD Variant Analysis Guidelines. Collection method: clinical testing. Allele origin: unknown.

Lifecell International Pvt. Ltd
Classification: Pathogenic for Mitochondrial complex I deficiency, nuclear type 25. Review status: criteria provided, single submitter. Criteria: ACMG Guidelines, 2015. Collection method: clinical testing. Allele origin: germline. Inheritance: Autosomal recessive inheritance. Affected: yes. Observed: 1 compound heterozygote.
Comment: A Heterozygous Missense variant c.64T>C in Exon 2 of the NDUFB3 gene that results in the amino acid substitution p.Trp22Arg was identified. The observed variant has a minor allele frequency of 0.00085/0.00080% in gnomAD exomes and genomes, respectively. The severity of the impact of this variant on the protein is high, based on the effect of the protein and REVEL score . Rare Exome Variant Ensemble Learner (REVEL) is an ensembl method for predicting the pathogenicity of missense variants based on a combination of scores from 13 individual tools: MutPred, FATHMM v2.3, VEST 3.0, PolyPhen-2, SIFT, PROVEAN, MutationAssessor, MutationTaster, LRT, GERP++, SiPhy, phyloP, and phastCons. The REVEL score for an individual missense variant can range from 0 to 1, with higher scores reflecting greater likelihood that the variant is disease-causing. ClinVar has also classified this variant as PathogenicLikelyPathogenic (variant ID: 252575). This variant was reported among the patients for infantile Mitochondrial Disease (Calvo SE et al., 2012). Based on the above evidence this variant has been classified as Pathogenic according to the ACMG guidelines.

OMIM
Classification: Pathogenic for MITOCHONDRIAL COMPLEX I DEFICIENCY, NUCLEAR TYPE 25. Last evaluated: 2012-01-25. Review status: no assertion criteria provided. Collection method: literature only. Allele origin: germline. Not counted in ClinVar's aggregate classification.

Literature cited by the submitters: PubMed 27091925 (cited by 5 submitters); PubMed 22277967 (cited by 7 submitters); PubMed 22499348 (cited by 4 submitters); PubMed 31000363 (cited by Ambry Genetics and Women's Health and Genetics/Laboratory Corporation of America, LabCorp).